The following is an entry in ClinVar:

NM_020928.2(ZSWIM6):c.3232C>T (p.Leu1078Phe)

Gene: ZSWIM6 (zinc finger SWIM-type containing 6; plus strand). Cytogenetic location: 5q12.1.
Variant type: single nucleotide variant.
Coding change: c.3232C>T on transcript NM_020928.2 (MANE Select); coding-DNA position 3232, C replaced by T.
Protein change: p.Leu1078Phe; replaces leucine 1078 with phenylalanine.
Molecular consequence: missense variant.
Genome position (GRCh38, 1-based): chr5:61,543,901, C>T. VCF-style: chr5-61543901-C-T. GRCh37 (hg19) VCF-style: chr5-60839728-C-T.
Other names: short protein forms L1078F.
Identifiers: ClinVar variation 2636449 (VCV002636449.2), dbSNP rs2478408385, ClinGen allele CA359947155.

ClinVar aggregate classification (germline): Uncertain significance (0 of 4 stars; one submission).

Conditions:
ZSWIM6-related disorder. Also called: ZSWIM6-related condition.

Submission:

PreventionGenetics, part of Exact Sciences
Classification: Uncertain significance for ZSWIM6-related condition. Last evaluated: 2024-08-01. Review status: no assertion criteria provided. Collection method: clinical testing. Allele origin: germline.
Comment: The ZSWIM6 c.3232C>T variant is predicted to result in the amino acid substitution p.Leu1078Phe. To our knowledge, this variant has not been reported in the literature or in a large population database, indicating this variant is rare. At this time, the clinical significance of this variant is uncertain due to the absence of conclusive functional and genetic evidence.